The following is an entry in ClinVar:

ClinVar aggregate classification (germline): Conflicting classifications of pathogenicity. Review status: criteria provided, conflicting classifications (1 of 4 stars). 2 submissions from 2 submitters: Pathogenic (1); Uncertain significance (1). Last evaluated 2024-04-03.

Conditions:
Hereditary factor IX deficiency disease (HEMB). Also called: F9 DEFICIENCY; FACTOR IX DEFICIENCY; PLASMA THROMBOPLASTIN COMPONENT DEFICIENCY; Hemophilia B; Christmas Disease. Identifiers: Orphanet 98879, MedGen C0008533, MeSH D002836, MONDO:0010604, OMIM 306900.

Submissions (2):

Women's Health and Genetics/Laboratory Corporation of America, LabCorp
Classification: Uncertain significance. Last evaluated: 2024-04-03. Review status: criteria provided, single submitter. Criteria: LabCorp Variant Classification Summary - May 2015. Collection method: clinical testing. Allele origin: germline.
Comment: Variant summary: F9 c.871G>C (p.Glu291Gln) results in a conservative amino acid change located in the Serine proteases, trypsin domain (IPR001254) of the encoded protein sequence. Four of five in-silico tools predict a damaging effect of the variant on protein function. The variant was absent in 179572 control chromosomes (gnomAD). The available data on variant occurrences in the general population are insufficient to allow any conclusion about variant significance. To our knowledge, no occurrence of c.871G>C in individuals affected with Factor IX Deficiency (Hemophilia B) and no experimental evidence demonstrating its impact on protein function have been reported. ClinVar contains an entry for this variant (Variation ID: 1992374). Based on the evidence outlined above, the variant was classified as uncertain significance.

MVZ Martinsried, Medicover Genetics
Classification: Pathogenic for Hereditary factor IX deficiency disease. Last evaluated: 2022-06-15. Review status: criteria provided, single submitter. Criteria: ACGS Guidelines, 2020. Collection method: clinical testing. Allele origin: unknown. Affected: yes.

NM_000133.4(F9):c.871G>C (p.Glu291Gln)

Gene: F9 (coagulation factor IX; plus strand). Cytogenetic location: Xq27.1.
Variant type: single nucleotide variant.
Coding change: c.871G>C on transcript NM_000133.4 (MANE Select); coding-DNA position 871, G replaced by C.
Protein change: p.Glu291Gln; replaces glutamic acid 291 with glutamine.
Molecular consequence: missense variant.
Genome position (GRCh38, 1-based): chrX:139,561,556, G>C. VCF-style: chrX-139561556-G-C. GRCh37 (hg19) VCF-style: chrX-138643715-G-C.
Other names: c.757G>C, p.Glu253Gln (NM_001313913.2); short protein forms E291Q, E253Q.
Identifiers: ClinVar variation 1992374 (VCV001992374.2), dbSNP rs1928102577, ClinGen allele CA414444584.